The following is an entry in ClinVar:

ClinVar aggregate classification (germline): Uncertain significance (1 of 4 stars; one submission).

Conditions:
Hypertrophic cardiomyopathy. Also called: HYPERTROPHIC MYOCARDIOPATHY. Identifiers: Orphanet 217569, MedGen C0007194, MeSH D002312, MONDO:0005045, HP:0001639.

Submission:

Labcorp Genetics (formerly Invitae), Labcorp
Classification: Uncertain significance for Hypertrophic cardiomyopathy. Last evaluated: 2024-12-22. Review status: criteria provided, single submitter. Criteria: Invitae Variant Classification Sherloc (09022015). Collection method: clinical testing. Allele origin: germline.
Comment: This sequence change replaces valine, which is neutral and non-polar, with glycine, which is neutral and non-polar, at codon 95 of the TPM1 protein (p.Val95Gly). This variant is not present in population databases (gnomAD no frequency). This variant has not been reported in the literature in individuals affected with TPM1-related conditions. An algorithm developed to predict the effect of missense changes on protein structure and function (PolyPhen-2) suggests that this variant is likely to be disruptive. This variant disrupts the p.Val95 amino acid residue in TPM1. Other variant(s) that disrupt this residue have been determined to be pathogenic (PMID: 11136687, 29540472). This suggests that this residue is clinically significant, and that variants that disrupt this residue are likely to be disease-causing. In summary, the available evidence is currently insufficient to determine the role of this variant in disease. Therefore, it has been classified as a Variant of Uncertain Significance.

Literature cited by the submitters: PubMed 11136687; PubMed 29540472.

NM_001018005.2(TPM1):c.284T>G (p.Val95Gly)

Gene: TPM1 (tropomyosin 1; plus strand). Cytogenetic location: 15q22.2.
Variant type: single nucleotide variant.
Coding change: c.284T>G on transcript NM_001018005.2 (MANE Select); coding-DNA position 284, T replaced by G.
Protein change: p.Val95Gly; replaces valine 95 with glycine.
Molecular consequence: missense variant. On other transcripts: non-coding transcript variant (17).
Genome position (GRCh38, 1-based): chr15:63,057,028, T>G. VCF-style: chr15-63057028-T-G. GRCh37 (hg19) VCF-style: chr15-63349227-T-G.
Other names: c.410T>G, p.Val137Gly (NM_001365778.1, NM_001407322.1, NM_001407323.1 and 1 more transcripts); c.284T>G, p.Val95Gly (NM_001365779.1, NM_001407325.1, NM_001407326.1 and 20 more transcripts); c.176T>G, p.Val59Gly (NM_001365780.1, NM_001365781.2, NM_001365782.1 and 9 more transcripts); short protein forms V59G, V95G, V137G.
Identifiers: ClinVar variation 3650543 (VCV003650543.2).